The following is an entry in ClinVar:

NM_014009.4(FOXP3):c.-22-1G>A

Gene: FOXP3 (forkhead box P3; minus strand). Cytogenetic location: Xp11.23.
Variant type: single nucleotide variant.
Coding change: c.-22-1G>A on transcript NM_014009.4 (MANE Select); the canonical splice acceptor site of the intron before 22 bases upstream of the start codon, G replaced by A.
Molecular consequence: splice acceptor variant.
Genome position (GRCh38, 1-based): chrX:49,258,528, C>T on the plus strand (G>A on the coding strand, the complement: FOXP3 is on the minus strand). VCF-style: chrX-49258528-C-T. GRCh37 (hg19) VCF-style: chrX-49114985-C-T.
Other names: c.-22-1G>A (NM_001114377.2).
Identifiers: ClinVar variation 4531325 (VCV004531325.1).

ClinVar aggregate classification (germline): Likely pathogenic (1 of 4 stars; one submission).

Conditions:
Insulin-dependent diabetes mellitus secretory diarrhea syndrome (IPEX). Also called: IPEX and IPEX-Like; DIABETES MELLITUS, CONGENITAL INSULIN-DEPENDENT, WITH FATAL SECRETORY DIARRHEA; DIARRHEA, POLYENDOCRINOPATHY, FATAL INFECTION SYNDROME, X-LINKED; ENTEROPATHY, AUTOIMMUNE, WITH HEMOLYTIC ANEMIA AND POLYENDOCRINOPATHY; X-Linked Autoimmunity-Allergic Dysregulation Syndrome; Immune dysregulation-polyendocrinopathy-enteropathy-X-linked syndrome. Identifiers: Orphanet 37042, MedGen C0342288, MONDO:0010580, OMIM 304790. Disease mechanism: loss of function.

Submission:

Victorian Clinical Genetics Services, Murdoch Childrens Research Institute
Classification: Likely pathogenic for Insulin-dependent diabetes mellitus secretory diarrhea syndrome. Last evaluated: 2025-07-10. Review status: criteria provided, single submitter. Criteria: ACMG Guidelines, 2015. Collection method: clinical testing. Allele origin: germline. Affected: no.
Comment: This variant is classified as Likely pathogenic. Evidence in support of pathogenic classification: Canonical 5' UTR splice site variant without proven consequence on splicing (no functional evidence available); Variant is absent from gnomAD (v2, v3 and v4); Another 5' UTR canonical splice variant comparable to the one identified in this case has limited previous evidence for pathogenicity. Abnormal splicing is predicted by in silico tool and affected nucleotide is highly conserved. Additional information: This variant is heterozygous; This gene is associated with X-linked recessive disease; This variant has no previous evidence of pathogenicity; No published evidence of segregation with disease has been identified for this variant; No published functional evidence has been identified for this variant; Loss of function is a known mechanism of disease in this gene and is associated with immunodysregulation, polyendocrinopathy, and enteropathy (MIM#304790); Variants in this gene are known to have variable expressivity. The timing and severity of clinical manifestations are variable and diabetes may be all or part of the initial presentation (ClinGen).

Literature cited by the submitters: PubMed 39870583.